The following is an entry in ClinVar:

ClinVar aggregate classification (germline): Pathogenic (1 of 4 stars; one submission).

Conditions:
Pfeiffer syndrome (ACS5). Also called: ACS V. Identifiers: Orphanet 710, MedGen C0220658, MONDO:0007043, OMIM 101600.
Hypogonadotropic hypogonadism 2 with or without anosmia (HH2). Also called: FGFR1-Related GnRH Deficiency (Kallmann Syndrome 2); HYPOGONADOTROPIC HYPOGONADISM 2 WITH OR WITHOUT ANOSMIA, SUSCEPTIBILITY TO; HYPOGONADOTROPIC HYPOGONADISM 2 WITHOUT ANOSMIA, SUSCEPTIBILITY TO; HYPOGONADOTROPIC HYPOGONADISM 2 WITHOUT ANOSMIA. Identifiers: Orphanet 478, MedGen C1563720, MONDO:0007844, OMIM 147950. Disease mechanism: loss of function.

Submission:

Labcorp Genetics (formerly Invitae), Labcorp
Classification: Pathogenic for Pfeiffer syndrome; Hypogonadotropic hypogonadism 2 with or without anosmia. Last evaluated: 2025-08-18. Review status: criteria provided, single submitter. Criteria: Invitae Variant Classification Sherloc (09022015). Collection method: clinical testing. Allele origin: germline.
Comment: This sequence change creates a premature translational stop signal (p.Leu165Cysfs*10) in the FGFR1 gene. It is expected to result in an absent or disrupted protein product. Loss-of-function variants in FGFR1 are known to be pathogenic (PMID: 12627230). This variant is not present in population databases (gnomAD no frequency). This variant has not been reported in the literature in individuals affected with FGFR1-related conditions. For these reasons, this variant has been classified as Pathogenic.

Literature cited by the submitters: PubMed 12627230.

NM_023110.3(FGFR1):c.494del (p.Leu165fs)

Gene: FGFR1 (fibroblast growth factor receptor 1; minus strand). Cytogenetic location: 8p11.23.
Variant type: Deletion.
Coding change: c.494del on transcript NM_023110.3 (MANE Select); coding-DNA position 494, one base deleted (T; older notation c.494delT).
Protein change: p.Leu165fs; shifts the reading frame from leucine 165.
Molecular consequence: frameshift variant.
Genome position (GRCh38, 1-based): chr8:38,428,048, A deleted on the plus strand (T on the coding strand, the reverse complement: FGFR1 is on the minus strand); the first of 2 consecutive A bases (chr8:38,428,048-38,428,049); deleting either gives the same sequence. VCF-style (leftmost placement, unchanged base first): chr8-38428047-CA-C. GRCh37 (hg19) VCF-style: chr8-38285565-CA-C.
Other names: c.494del, p.Leu165fs (NM_001174063.2); c.470del, p.Leu157fs (NM_001174064.2); c.488del, p.Leu163fs (NM_001174065.2, NM_001354367.2, NM_001354369.2 and 2 more transcripts); c.227del, p.Leu76fs (NM_001174066.2, NM_023105.3); c.587del, p.Leu196fs (NM_001174067.2); c.221del, p.Leu74fs (NM_001354368.2, NM_001354370.2, NM_023106.3); short protein forms L157fs, L165fs, L74fs, L76fs, L163fs, L196fs.
Identifiers: ClinVar variation 4785905 (VCV004785905.1).